The following is an entry in ClinVar:

NM_002968.3(SALL1):c.3326C>T (p.Pro1109Leu)

Gene: SALL1 (spalt like transcription factor 1; minus strand). Cytogenetic location: 16q12.1.
Variant type: single nucleotide variant.
Coding change: c.3326C>T on transcript NM_002968.3 (MANE Select); coding-DNA position 3326, C replaced by T.
Protein change: p.Pro1109Leu; replaces proline 1109 with leucine.
Molecular consequence: missense variant.
Genome position (GRCh38, 1-based): chr16:51,138,896, G>A on the plus strand (C>T on the coding strand, the complement: SALL1 is on the minus strand). VCF-style: chr16-51138896-G-A. GRCh37 (hg19) VCF-style: chr16-51172807-G-A.
Other names: c.3035C>T, p.Pro1012Leu (NM_001127892.2); short protein forms P1109L, P1012L.
Identifiers: ClinVar variation 424521 (VCV000424521.2), dbSNP rs780221020, ClinGen allele CA8052950.

ClinVar aggregate classification (germline): Likely pathogenic (1 of 4 stars; one submission).

Allele frequency attached by ClinVar (database versions not stated): gnomAD exomes below 0.00001 and 0.00001; ExAC 0.00001.
gnomAD v4.1: 9 of 1,614,172 alleles (0.00056%); highest among the groups gnomAD compares: African/African-American, 0.0013%; no homozygotes.

Submission:

GeneDx
Classification: Likely pathogenic. Last evaluated: 2017-03-31. Review status: criteria provided, single submitter. Criteria: GeneDx Variant Classification (06012015). Collection method: clinical testing. Allele origin: germline. Affected: yes.
Comment: The P1109L variant in the SALL1 gene has not been reported previously as a pathogenic variant, nor as a benign variant, to our knowledge. The P1109L variant is not observed at a significant frequency in large population cohorts (Lek et al., 2016; 1000 Genomes Consortium et al., 2015; Exome Variant Server). The P1109L variant is a semi-conservative amino acid substitution, which may impact secondary protein structure as these residues differ in some properties. This substitution occurs at a position that is conserved in mammals, and in silico analysis predicts this variant is probably damaging to the protein structure/function. The P1109L variant is a strong candidate for a pathogenic variant, however the possibility it may be a rare benign variant cannot be excluded.